The following is an entry in ClinVar:

NM_194248.3(OTOF):c.1150G>A (p.Asp384Asn)

Gene: OTOF (otoferlin; minus strand). Cytogenetic location: 2p23.3.
Variant type: single nucleotide variant.
Coding change: c.1150G>A on transcript NM_194248.3 (MANE Select); coding-DNA position 1150, G replaced by A.
Protein change: p.Asp384Asn; replaces aspartic acid 384 with asparagine.
Molecular consequence: missense variant.
Genome position (GRCh38, 1-based): chr2:26,484,529, C>T on the plus strand (G>A on the coding strand, the complement: OTOF is on the minus strand). VCF-style: chr2-26484529-C-T. GRCh37 (hg19) VCF-style: chr2-26707397-C-T.
Other names: c.1150G>A, p.Asp384Asn (NM_001287489.2); short protein forms D384N.
Identifiers: ClinVar variation 1916124 (VCV001916124.5), dbSNP rs753273850, ClinGen allele CA1564368.

ClinVar aggregate classification (germline): Uncertain significance. Review status: criteria provided, multiple submitters, no conflicts (2 of 4 stars). 2 submissions from 2 submitters: Uncertain significance (2). Last evaluated 2025-01-06.

Allele frequency attached by ClinVar (database versions not stated): gnomAD exomes below 0.00001; ExAC 0.00001.
gnomAD v4.1: 7 of 1,614,004 alleles (0.00043%); highest among the groups gnomAD compares: Admixed American, 0.0017%; no homozygotes.

Submissions (2):

Labcorp Genetics (formerly Invitae), Labcorp
Classification: Uncertain significance. Last evaluated: 2025-01-06. Review status: criteria provided, single submitter. Criteria: Invitae Variant Classification Sherloc (09022015). Collection method: clinical testing. Allele origin: germline.
Comment: This sequence change replaces aspartic acid, which is acidic and polar, with asparagine, which is neutral and polar, at codon 384 of the OTOF protein (p.Asp384Asn). This variant is present in population databases (rs753273850, gnomAD 0.003%). This variant has not been reported in the literature in individuals affected with OTOF-related conditions. ClinVar contains an entry for this variant (Variation ID: 1916124). Invitae Evidence Modeling of protein sequence and biophysical properties (such as structural, functional, and spatial information, amino acid conservation, physicochemical variation, residue mobility, and thermodynamic stability) has been performed for this missense variant. However, the output from this modeling did not meet the statistical confidence thresholds required to predict the impact of this variant on OTOF protein function. In summary, the available evidence is currently insufficient to determine the role of this variant in disease. Therefore, it has been classified as a Variant of Uncertain Significance.

Women's Health and Genetics/Laboratory Corporation of America, LabCorp
Classification: Uncertain significance. Last evaluated: 2024-08-19. Review status: criteria provided, single submitter. Criteria: LabCorp Variant Classification Summary - May 2015. Collection method: clinical testing. Allele origin: germline.
Comment: Variant summary: OTOF c.1150G>A (p.Asp384Asn) results in a conservative amino acid change located in the FerIin domain (IPR012968) of the encoded protein sequence. Four of five in-silico tools predict a damaging effect of the variant on protein function. The variant allele was found at a frequency of 8e-06 in 250604 control chromosomes. The available data on variant occurrences in the general population are insufficient to allow any conclusion about variant significance. To our knowledge, no occurrence of c.1150G>A in individuals affected with Nonsyndromic Hearing Loss And Deafness, Type 9 and no experimental evidence demonstrating its impact on protein function have been reported. ClinVar contains an entry for this variant (Variation ID: 1916124). Based on the evidence outlined above, the variant was classified as uncertain significance.